The following is an entry in ClinVar:

ClinVar aggregate classification (germline): Uncertain significance (1 of 4 stars; one submission).

Conditions:
Curry-Hall syndrome (WAD). Also called: WEYERS ACRODENTAL DYSOSTOSIS. Identifiers: Orphanet 952, MedGen C0457013, MONDO:0008673, OMIM 193530.
Ellis-van Creveld syndrome (EVC). Also called: Chondroectodermal dysplasia; EVC-Related Ellis-van Creveld Syndrome; EVC2-Related Ellis-van Creveld Syndrome; MESOECTODERMAL DYSPLASIA. Identifiers: Orphanet 289, MedGen C0013903, MONDO:0009162, OMIM 225500.

Submission:

Labcorp Genetics (formerly Invitae), Labcorp
Classification: Uncertain significance for Curry-Hall syndrome; Ellis-van Creveld syndrome. Last evaluated: 2022-11-07. Review status: criteria provided, single submitter. Criteria: Invitae Variant Classification Sherloc (09022015). Collection method: clinical testing. Allele origin: germline.
Comment: In summary, the available evidence is currently insufficient to determine the role of this variant in disease. Therefore, it has been classified as a Variant of Uncertain Significance. Variants that disrupt the consensus splice site are a relatively common cause of aberrant splicing (PMID: 17576681, 9536098). Algorithms developed to predict the effect of sequence changes on RNA splicing suggest that this variant may disrupt the consensus splice site. Algorithms developed to predict the effect of missense changes on protein structure and function are either unavailable or do not agree on the potential impact of this missense change (SIFT: "Deleterious"; PolyPhen-2: "Probably Damaging"; Align-GVGD: "Class C0"). ClinVar contains an entry for this variant (Variation ID: 659487). This missense change has been observed in individual(s) with clinical features of EVC2-related conditions (Invitae). In at least one individual the data is consistent with being in trans (on the opposite chromosome) from a pathogenic variant. This variant is not present in population databases (gnomAD no frequency). This sequence change replaces glutamine, which is neutral and polar, with histidine, which is basic and polar, at codon 1120 of the EVC2 protein (p.Gln1120His). This variant also falls at the last nucleotide of exon 19, which is part of the consensus splice site for this exon.

Literature cited by the submitters: PubMed 17576681; PubMed 9536098.

NM_147127.5(EVC2):c.3360G>C (p.Gln1120His)

Gene: EVC2 (EvC ciliary complex subunit 2; minus strand). Cytogenetic location: 4p16.2.
Variant type: single nucleotide variant.
Coding change: c.3360G>C on transcript NM_147127.5 (MANE Select); coding-DNA position 3360, G replaced by C.
Protein change: p.Gln1120His; replaces glutamine 1120 with histidine.
Molecular consequence: missense variant.
Genome position (GRCh38, 1-based): chr4:5,574,685, C>G on the plus strand (G>C on the coding strand, the complement: EVC2 is on the minus strand). VCF-style: chr4-5574685-C-G. GRCh37 (hg19) VCF-style: chr4-5576412-C-G.
Other names: c.3120G>C, p.Gln1040His (NM_001166136.2); short protein forms Q1120H, Q1040H.
Identifiers: ClinVar variation 659487 (VCV000659487.9), dbSNP rs1577106433, ClinGen allele CA356150506.